The following is an entry in ClinVar:

NM_000051.4(ATM):c.1515T>C (p.Phe505=)

Gene: ATM (ATM serine/threonine kinase; plus strand). Cytogenetic location: 11q22.3.
Variant type: single nucleotide variant.
Coding change: c.1515T>C on transcript NM_000051.4 (MANE Select); coding-DNA position 1515, T replaced by C.
Protein change: p.Phe505=; no amino-acid change (phenylalanine 505 retained).
Molecular consequence: synonymous variant.
Genome position (GRCh38, 1-based): chr11:108,250,980, T>C. VCF-style: chr11-108250980-T-C. GRCh37 (hg19) VCF-style: chr11-108121707-T-C.
Other names: c.1515T>C, p.Phe505= (NM_001351834.2).
Identifiers: ClinVar variation 379197 (VCV000379197.18), dbSNP rs1057520521, ClinGen allele CA16606149.
Genomic context (GRCh38, chr11:108,250,980, plus strand): 5'-TAAAATTTGGTGTATTACCTTTCGTGGTATAAGTTCTGAGCAAATACAAGCTGAAAACTT[T>C]GGCTTACTTGGAGCCATAATTCAGGGTAGTTTAGTTGAGGTTGACAGAGAATTCTGGAAG-3'
Protein context (NP_000042.3, residues 495-515): ISSEQIQAEN[Phe505=]GLLGAIIQGS

ClinVar aggregate classification (germline): Benign/Likely benign. Review status: criteria provided, multiple submitters, no conflicts (2 of 4 stars). 6 submissions from 6 submitters: Benign (1); Likely benign (5). Last evaluated 2026-01-31.

Conditions:
Hereditary cancer-predisposing syndrome. Also called: Hereditary neoplastic syndrome; Tumor predisposition; Neoplastic Syndromes, Hereditary; Hereditary Cancer Syndrome. Identifiers: Orphanet 140162, MedGen C0027672, MeSH D009386, MONDO:0015356.
Familial cancer of breast. Also called: Hereditary breast cancer; BREAST CANCER, FAMILIAL; hereditary breast carcinoma. Identifiers: Orphanet 227535, MedGen C0346153, MONDO:0016419, OMIM 114480. Disease mechanism: loss of function.
Ataxia-telangiectasia syndrome (AT). Also called: LOUIS-BAR SYNDROME; ATAXIA-TELANGIECTASIA, COMPLEMENTATION GROUP A; ATAXIA-TELANGIECTASIA, FRESNO VARIANT; Ataxia-telangiectasia; Ataxia telangiectasia (A-T); Cerebello-oculocutaneous telangiectasia. Identifiers: Orphanet 100, MedGen C0004135, MONDO:0008840, OMIM 208900.

Allele frequency attached by ClinVar (database versions not stated): gnomAD 0.00001; TOPMed 0.00002.
gnomAD v4.1: 1 of 1,614,038 alleles (0.000062%); highest among the groups gnomAD compares: African/African-American, 0.0013%; no homozygotes.

Submissions (6):

Labcorp Genetics (formerly Invitae), Labcorp
Classification: Likely benign for Ataxia-telangiectasia syndrome. Last evaluated: 2026-01-31. Review status: criteria provided, single submitter. Criteria: Invitae Variant Classification Sherloc (09022015). Collection method: clinical testing. Allele origin: germline.

Color Diagnostics, LLC DBA Color Health
Classification: Likely benign for Hereditary cancer-predisposing syndrome. Last evaluated: 2024-10-20. Review status: criteria provided, single submitter. Criteria: ACMG Guidelines, 2015. Collection method: clinical testing. Allele origin: germline.

Myriad Genetics, Inc.
Classification: Benign for Familial cancer of breast. Last evaluated: 2024-04-29. Review status: criteria provided, single submitter. Criteria: Myriad Autosomal Dominant, Autosomal Recessive and X-Linked Classification Criteria (2023). Collection method: clinical testing. Allele origin: unknown.
Comment: This variant is considered benign. This variant is a silent/synonymous amino acid change and it is not expected to impact splicing.

Sema4
Classification: Likely benign for Hereditary cancer-predisposing syndrome. Last evaluated: 2022-01-06. Review status: criteria provided, single submitter. Criteria: Sema4 Curation Guidelines. Collection method: curation. Allele origin: germline.

Ambry Genetics
Classification: Likely benign for Hereditary cancer-predisposing syndrome. Last evaluated: 2017-05-26. Review status: criteria provided, single submitter. Criteria: Ambry Variant Classification Scheme 2023. Collection method: clinical testing. Allele origin: germline.

GeneDx
Classification: Likely benign. Last evaluated: 2016-07-21. Review status: criteria provided, single submitter. Criteria: GeneDx Variant Classification (06012015). Collection method: clinical testing. Allele origin: germline. Affected: yes.
Comment: This variant is considered likely benign or benign based on one or more of the following criteria: it is a conservative change, it occurs at a poorly conserved position in the protein, it is predicted to be benign by multiple in silico algorithms, and/or has population frequency not consistent with disease.